The following is an entry in ClinVar:

NM_001363711.2(DUOX2):c.3516-1G>T

Gene: DUOX2 (dual oxidase 2; minus strand). Cytogenetic location: 15q21.1.
Variant type: single nucleotide variant.
Coding change: c.3516-1G>T on transcript NM_001363711.2 (MANE Select); the canonical splice acceptor site of the intron before coding-DNA position 3516, G replaced by T.
Molecular consequence: splice acceptor variant.
Genome position (GRCh38, 1-based): chr15:45,098,059, C>A on the plus strand (G>T on the coding strand, the complement: DUOX2 is on the minus strand). VCF-style: chr15-45098059-C-A. GRCh37 (hg19) VCF-style: chr15-45390257-C-A.
Other names: c.3516-1G>T (NM_014080.5).
Identifiers: ClinVar variation 2814702 (VCV002814702.3), dbSNP rs764517475, ClinGen allele CA392258308.

ClinVar aggregate classification (germline): Likely pathogenic (1 of 4 stars; one submission).

Submission:

Labcorp Genetics (formerly Invitae), Labcorp
Classification: Likely pathogenic. Last evaluated: 2022-11-16. Review status: criteria provided, single submitter. Criteria: Invitae Variant Classification Sherloc (09022015). Collection method: clinical testing. Allele origin: germline.
Comment: Algorithms developed to predict the effect of sequence changes on RNA splicing suggest that this variant may disrupt the consensus splice site. In summary, the currently available evidence indicates that the variant is pathogenic, but additional data are needed to prove that conclusively. Therefore, this variant has been classified as Likely Pathogenic. Disruption of this splice site has been observed in individual(s) with clinical features of thyroid dyshormonogenesis (PMID: 27557340). This variant is not present in population databases (gnomAD no frequency). This sequence change affects an acceptor splice site in intron 26 of the DUOX2 gene. It is expected to disrupt RNA splicing. Variants that disrupt the donor or acceptor splice site typically lead to a loss of protein function (PMID: 16199547), and loss-of-function variants in DUOX2 are known to be pathogenic (PMID: 12110737, 18765513, 21565790, 24423310, 24735383).

Literature cited by the submitters: PubMed 27557340; PubMed 16199547; PubMed 12110737; PubMed 18765513; PubMed 21565790; PubMed 24423310; PubMed 24735383.